The following is an entry in ClinVar:

ClinVar aggregate classification (germline): Uncertain significance. Review status: criteria provided, multiple submitters, no conflicts (2 of 4 stars). 2 submissions from 2 submitters: Uncertain significance (2). Last evaluated 2025-08-01.

Conditions:
Inborn genetic diseases. Identifiers: MedGen C0950123, MeSH D030342.
Methylmalonic aciduria and homocystinuria type cblF. Also called: METHYLMALONIC ACIDEMIA AND HOMOCYSTINURIA, cblF TYPE; METHYLMALONIC ACIDURIA DUE TO VITAMIN B12-RELEASE DEFECT; COBALAMIN F DISEASE; COBALAMIN, DEFECT IN LYSOSOMAL RELEASE OF; VITAMIN B12 LYSOSOMAL RELEASE DEFECT; VITAMIN B12 STORAGE DISEASE. Identifiers: Orphanet 79284, MedGen C1848578, MONDO:0010183, OMIM 277380.

Allele frequency attached by ClinVar (database versions not stated): gnomAD exomes below 0.00001; ExAC 0.00001; gnomAD 0.00001; TOPMed 0.00001.
gnomAD v4.1: 3 of 1,613,338 alleles (0.00019%); highest among the groups gnomAD compares: African/African-American, 0.0013%; no homozygotes.

Submissions (2):

Ambry Genetics
Classification: Uncertain significance for Inborn genetic diseases. Last evaluated: 2025-08-01. Review status: criteria provided, single submitter. Criteria: Ambry Variant Classification Scheme 2023. Collection method: clinical testing. Allele origin: germline.

Baylor Genetics
Classification: Uncertain significance for Methylmalonic aciduria and homocystinuria type cblF. Last evaluated: 2018-10-19. Review status: criteria provided, single submitter. Criteria: ACMG Guidelines, 2015. Collection method: clinical testing. Allele origin: paternal. Affected: yes.
Comment: This variant was determined to be of uncertain significance according to ACMG Guidelines, 2015 [PMID:25741868].

NM_018368.4(LMBRD1):c.907C>A (p.Pro303Thr)

Gene: LMBRD1 (LMBR1 domain containing 1; minus strand). Cytogenetic location: 6q13.
Variant type: single nucleotide variant.
Coding change: c.907C>A on transcript NM_018368.4 (MANE Select); coding-DNA position 907, C replaced by A.
Protein change: p.Pro303Thr; replaces proline 303 with threonine.
Molecular consequence: missense variant.
Genome position (GRCh38, 1-based): chr6:69,713,653, G>T on the plus strand (C>A on the coding strand, the complement: LMBRD1 is on the minus strand). VCF-style: chr6-69713653-G-T. GRCh37 (hg19) VCF-style: chr6-70423545-G-T.
Other names: c.688C>A, p.Pro230Thr (NM_001363722.2, NM_001367271.1, NM_001367272.1); short protein forms P230T, P303T.
Identifiers: ClinVar variation 1032798 (VCV001032798.2), dbSNP rs752377027, ClinGen allele CA3879760.